The following is an entry in ClinVar:

ClinVar aggregate classification (germline): Uncertain significance (1 of 4 stars; one submission).

Conditions:
Rhabdoid tumor predisposition syndrome 2 (RTPS2). Identifiers: Orphanet 231108, Orphanet 69077, MedGen C2750074, MONDO:0013224, OMIM 613325.

Submission:

Labcorp Genetics (formerly Invitae), Labcorp
Classification: Uncertain significance for Rhabdoid tumor predisposition syndrome 2. Last evaluated: 2023-12-01. Review status: criteria provided, single submitter. Criteria: Invitae Variant Classification Sherloc (09022015). Collection method: clinical testing. Allele origin: germline.
Comment: This sequence change replaces valine, which is neutral and non-polar, with methionine, which is neutral and non-polar, at codon 1404 of the SMARCA4 protein (p.Val1404Met). This variant is not present in population databases (gnomAD no frequency). This variant has not been reported in the literature in individuals affected with SMARCA4-related conditions. An algorithm developed to predict the effect of missense changes on protein structure and function (PolyPhen-2) suggests that this variant is likely to be tolerated. In summary, the available evidence is currently insufficient to determine the role of this variant in disease. Therefore, it has been classified as a Variant of Uncertain Significance.

NM_001387283.1(SMARCA4):c.4210G>A (p.Val1404Met)

Gene: SMARCA4 (SWI/SNF related BAF chromatin remodeling complex subunit ATPase 4; plus strand). Cytogenetic location: 19p13.2.
Variant type: single nucleotide variant.
Coding change: c.4210G>A on transcript NM_001387283.1 (MANE Plus Clinical); coding-DNA position 4210, G replaced by A.
Protein change: p.Val1404Met; replaces valine 1404 with methionine.
Molecular consequence: missense variant. On other transcripts: intron variant (7).
Genome position (GRCh38, 1-based): chr19:11,039,497, G>A. VCF-style: chr19-11039497-G-A. GRCh37 (hg19) VCF-style: chr19-11150173-G-A.
Other names: c.4210G>A, p.Val1404Met (NM_001128849.3); c.4111G>A, p.Val1371Met (NM_001411150.1); c.4171-1810G>A (NM_001128844.3, NM_003072.5); c.4072-1810G>A (NM_001128847.4, NM_001374457.1, NM_001128848.2); c.4072-1801G>A (NM_001128845.2, NM_001128846.2); short protein forms V1404M, V1371M.
Identifiers: ClinVar variation 2700288 (VCV002700288.3), dbSNP rs2515442584, ClinGen allele CA404071437.
Genomic context (GRCh38, chr19:11,039,497, plus strand): 5'-CATTAAAAAATTTTGTTGTAGAAAATTACAGGAAAAGATATCCATGACACAGCCAGCAGT[G>A]TGGCACGTGGGCTACAATTCCAGCGTGGCCTTCAGTTCTGCACACGTGCGTCAAAGGTGG-3'
Protein context (NP_001374212.1, residues 1394-1414): GKDIHDTASS[Val1404Met]ARGLQFQRGL